The following is an entry in ClinVar:

ClinVar aggregate classification (germline): Uncertain significance. Review status: criteria provided, multiple submitters, no conflicts (2 of 4 stars). 2 submissions from 2 submitters: Uncertain significance (2). Last evaluated 2024-01-30.

Conditions:
Medulloblastoma (MDB). Also called: Medulloblastoma, somatic; MEDULLOBLASTOMA PREDISPOSITION SYNDROME. Identifiers: Orphanet 616, MedGen C0025149, MeSH D008527, MONDO:0007959, OMIM 155255, HP:0002885.
Familial dysautonomia. Also called: FD; HSAN III. Identifiers: Orphanet 1764, MedGen C0013364, MONDO:0009131, OMIM 223900. Disease mechanism: loss of function.

Allele frequency attached by ClinVar (database versions not stated): gnomAD exomes 0.00001.
gnomAD v4.1: 3 of 1,614,188 alleles (0.00019%); highest among the groups gnomAD compares: Non-Finnish European, 0.00025%; no homozygotes.

Submissions (2):

Fulgent Genetics
Classification: Uncertain significance for Medulloblastoma; Familial dysautonomia. Last evaluated: 2024-01-30. Review status: criteria provided, single submitter. Criteria: ACMG Guidelines, 2015. Collection method: clinical testing. Allele origin: germline.

Ambry Genetics
Classification: Uncertain significance. Last evaluated: 2023-07-14. Review status: criteria provided, single submitter. Criteria: Ambry Variant Classification Scheme 2023. Collection method: clinical testing. Allele origin: germline.
Comment: The c.2501+3A>G intronic alteration consists of a A to G substitution nucleotides after coding exon 22 in the IKBKAP gene. Based on insufficient or conflicting evidence, the clinical significance of this alteration remains unclear.

NM_003640.5(ELP1):c.2501+3A>G

Gene: ELP1 (elongator acetyltransferase complex subunit 1; minus strand). Cytogenetic location: 9q31.3.
Variant type: single nucleotide variant.
Coding change: c.2501+3A>G on transcript NM_003640.5 (MANE Select); 3 bases into the intron after coding-DNA position 2501, A replaced by G.
Molecular consequence: intron variant.
Genome position (GRCh38, 1-based): chr9:108,897,145, T>C on the plus strand (A>G on the coding strand, the complement: ELP1 is on the minus strand). VCF-style: chr9-108897145-T-C. GRCh37 (hg19) VCF-style: chr9-111659425-T-C.
Other names: c.2159+3A>G (NM_001318360.2); c.1454+3A>G (NM_001330749.2).
Identifiers: ClinVar variation 2611317 (VCV002611317.3), dbSNP rs1828585802, ClinGen allele CA1871336421.
Genomic context (GRCh38, chr9:108,897,145, plus strand): 5'-TGGACAAGGACAACTACACACTTCGGTTTTTCAAAGGATGCCACCTGGTGACAGCATACA[T>C]ACTTATGAGGATTTATGCTCTCCATGACTGCTCTCATAGCATCGCAGACAAGGTCTATTT-3'